The following is an entry in ClinVar:

ClinVar aggregate classification (germline): Uncertain significance (1 of 4 stars; one submission).

gnomAD v4.1: 2 of 1,613,910 alleles (0.00012%); highest among the groups gnomAD compares: Non-Finnish European, 0.000085%; no homozygotes.

Submission:

Labcorp Genetics (formerly Invitae), Labcorp
Classification: Uncertain significance. Last evaluated: 2023-07-26. Review status: criteria provided, single submitter. Criteria: Invitae Variant Classification Sherloc (09022015). Collection method: clinical testing. Allele origin: germline.
Comment: In summary, the available evidence is currently insufficient to determine the role of this variant in disease. Therefore, it has been classified as a Variant of Uncertain Significance. Algorithms developed to predict the effect of missense changes on protein structure and function output the following: SIFT: "Not Available"; PolyPhen-2: "Benign"; Align-GVGD: "Not Available". The isoleucine amino acid residue is found in multiple mammalian species, which suggests that this missense change does not adversely affect protein function. This variant has not been reported in the literature in individuals affected with CDK5RAP2-related conditions. This variant is present in population databases (rs764171211, gnomAD 0.0009%). This sequence change replaces threonine, which is neutral and polar, with isoleucine, which is neutral and non-polar, at codon 701 of the CDK5RAP2 protein (p.Thr701Ile).

NM_018249.6(CDK5RAP2):c.2102C>T (p.Thr701Ile)

Gene: CDK5RAP2 (CDK5 regulatory subunit associated protein 2; minus strand). Cytogenetic location: 9q33.2.
Variant type: single nucleotide variant.
Coding change: c.2102C>T on transcript NM_018249.6 (MANE Select); coding-DNA position 2102, C replaced by T.
Protein change: p.Thr701Ile; replaces threonine 701 with isoleucine.
Molecular consequence: missense variant. On other transcripts: non-coding transcript variant (5).
Genome position (GRCh38, 1-based): chr9:120,467,864, G>A on the plus strand (C>T on the coding strand, the complement: CDK5RAP2 is on the minus strand). VCF-style: chr9-120467864-G-A. GRCh37 (hg19) VCF-style: chr9-123230142-G-A.
Other names: c.2102C>T, p.Thr701Ile (NM_001011649.3, NM_001410993.1); c.2099C>T, p.Thr700Ile (NM_001272039.2, NM_001410992.1, NM_001410994.1); short protein forms T700I, T701I.
Identifiers: ClinVar variation 2971130 (VCV002971130.3), dbSNP rs764171211, ClinGen allele CA5214182.